The following is an entry in ClinVar:

ClinVar aggregate classification (germline): Pathogenic/Likely pathogenic. Review status: criteria provided, multiple submitters, no conflicts (2 of 4 stars). 6 submissions from 6 submitters: Pathogenic (2); Likely pathogenic (4). Last evaluated 2025-06-26.

Conditions:
SPTA1-related disorder. Also called: SPTA1-related condition; SPTA1-related disorders.
Elliptocytosis 2 (EL2). Also called: ELLIPTOCYTOSIS, RHESUS-UNLINKED TYPE. Identifiers: Orphanet 288, MedGen C1851741, MONDO:0007533, OMIM 130600.

Submissions (6):

GeneDx
Classification: Likely pathogenic. Last evaluated: 2025-06-26. Review status: criteria provided, single submitter. Criteria: GeneDx Variant Classification Process June 2021. Collection method: clinical testing. Allele origin: germline. Affected: yes.
Comment: Frameshift variant predicted to result in protein truncation or nonsense mediated decay in a gene for which loss of function is a known mechanism of disease; Not observed at significant frequency in large population cohorts (gnomAD); Has not been previously published as pathogenic or benign to our knowledge

ARUP Laboratories, Molecular Genetics and Genomics, ARUP Laboratories
Classification: Likely pathogenic. Last evaluated: 2025-05-05. Review status: criteria provided, single submitter. Criteria: ARUP Molecular Germline Variant Investigation Process 2024. Collection method: clinical testing. Allele origin: germline.
Comment: The SPTA1 c.6813_6814del; p.Glu2271AspfsTer6 variant (rs1649424538), to our knowledge, is not reported in the medical literature but is reported in ClinVar (Variation ID: 1030633). This variant is also absent from the Genome Aggregation Database (v2.1.1), indicating it is not a common polymorphism. This variant causes a frameshift by deleting 2 nucleotides, so it is predicted to result in a truncated protein or mRNA subject to nonsense-mediated decay. Based on available information, this variant is considered to be likely pathogenic.

PreventionGenetics, part of Exact Sciences
Classification: Likely pathogenic for SPTA1-related condition. Last evaluated: 2024-12-23. Review status: criteria provided, single submitter. Criteria: ACMG Guidelines, 2015. Collection method: clinical testing. Allele origin: germline.
Comment: The SPTA1 c.6813_6814delGA variant is predicted to result in a frameshift and premature protein termination (p.Glu2271Aspfs*6). To our knowledge, this variant has not been reported in the literature or in a large population database (gnomAD), indicating this variant is rare. Frameshift variants in SPTA1 are expected to be pathogenic. This variant is interpreted as likely pathogenic.

Mayo Clinic Laboratories, Mayo Clinic
Classification: Likely pathogenic. Last evaluated: 2024-02-16. Review status: criteria provided, single submitter. Criteria: ACMG Guidelines, 2015. Collection method: clinical testing. Allele origin: germline. Observed: 1 variant allele.
Comment: PM2_moderate, PVS1

Labcorp Genetics (formerly Invitae), Labcorp
Classification: Pathogenic. Last evaluated: 2022-03-04. Review status: criteria provided, single submitter. Criteria: Invitae Variant Classification Sherloc (09022015). Collection method: clinical testing. Allele origin: germline.
Comment: This sequence change creates a premature translational stop signal (p.Glu2271Aspfs*6) in the SPTA1 gene. It is expected to result in an absent or disrupted protein product. Loss-of-function variants in SPTA1 are known to be pathogenic (PMID: 9192783, 18815189, 31333484, 31723846, 32266426). This variant is not present in population databases (gnomAD no frequency). This variant has not been reported in the literature in individuals affected with SPTA1-related conditions. ClinVar contains an entry for this variant (Variation ID: 1030633). For these reasons, this variant has been classified as Pathogenic.

Baylor Genetics
Classification: Pathogenic for Elliptocytosis 2. Last evaluated: 2019-10-29. Review status: criteria provided, single submitter. Criteria: ACMG Guidelines, 2015. Collection method: clinical testing. Allele origin: paternal. Affected: yes.
Comment: This variant was determined to be pathogenic according to ACMG Guidelines, 2015 [PMID:25741868].

Literature cited by the submitters: PubMed 9192783 (cited by Labcorp Genetics (formerly Invitae), Labcorp); PubMed 18815189 (cited by Labcorp Genetics (formerly Invitae), Labcorp); PubMed 31333484 (cited by Labcorp Genetics (formerly Invitae), Labcorp); PubMed 31723846 (cited by Labcorp Genetics (formerly Invitae), Labcorp); PubMed 32266426 (cited by Labcorp Genetics (formerly Invitae), Labcorp).

NM_003126.4(SPTA1):c.6813_6814del (p.Glu2271fs)

Gene: SPTA1 (spectrin alpha, erythrocytic 1; minus strand). Cytogenetic location: 1q23.1.
Variant type: Microsatellite.
Coding change: c.6813_6814del on transcript NM_003126.4 (MANE Select); coding-DNA positions 6813 to 6814, 2 bases deleted (GA; older notation c.6813_6814delGA).
Protein change: p.Glu2271fs; shifts the reading frame from glutamic acid 2271.
Molecular consequence: frameshift variant.
Genome position (GRCh38, 1-based): chr1:158,614,281-158,614,282, TC deleted on the plus strand (GA on the coding strand, the reverse complement: SPTA1 is on the minus strand); deleting any 2 consecutive bases within chr1:158,614,281-158,614,285 gives the same sequence; the c. name uses the placement nearest the transcript's 3' end. VCF-style (leftmost placement, unchanged base first): chr1-158614280-GTC-G. GRCh37 (hg19) VCF-style: chr1-158584070-GTC-G.
Other names: p.Glu2271Aspfs*6; c.6813_6814del (NM_003126.2); short protein forms E2271fs.
Identifiers: ClinVar variation 1030633 (VCV001030633.9), dbSNP rs1649424538, ClinGen allele CA1201537465.